The following is an entry in ClinVar:

ClinVar aggregate classification (germline): Uncertain significance (1 of 4 stars; one submission).

Conditions:
Weaver syndrome (WVS). Also called: Weaver Smith syndrome; Overgrowth syndrome with accelerated skeletal maturation, unusual facies, and camptodactyly. Identifiers: Orphanet 3447, MedGen C0265210, MONDO:0010193, OMIM 277590.

Submission:

3billion
Classification: Uncertain significance for Weaver syndrome. Last evaluated: 2025-11-07. Review status: criteria provided, single submitter. Criteria: ACMG Guidelines, 2015. Collection method: clinical testing. Allele origin: germline. Affected: yes.
Comment: The variant is not observed in the gnomAD v4.1.0 dataset. Predicted Consequence/Location: Frameshift: predicted to result in a loss or disruption of normal protein function through protein truncation. The predicted truncated protein may be shortened by less than 10%. Therefore, this variant is classified as VUS according to the recommendation of ACMG/AMP guideline.

NM_004456.5(EZH2):c.2216dup (p.Lys740fs)

Gene: EZH2 (enhancer of zeste 2 polycomb repressive complex 2 subunit; minus strand). Cytogenetic location: 7q36.1.
Variant type: Duplication.
Coding change: c.2216dup on transcript NM_004456.5 (MANE Select); coding-DNA position 2216, one base duplicated (T; older notation c.2216dupT).
Protein change: p.Lys740fs; shifts the reading frame from lysine 740.
Molecular consequence: frameshift variant.
Genome position (GRCh38, 1-based): chr7:148,807,686, A duplicated on the plus strand (T on the coding strand, the reverse complement: EZH2 is on the minus strand). VCF-style (leftmost placement, unchanged base first): chr7-148807685-C-CA. GRCh37 (hg19) VCF-style: chr7-148504777-C-CA.
Other names: c.2201dup, p.Lys735fs (NM_001203247.2); c.2174dup, p.Lys726fs (NM_001203248.2); c.2048dup, p.Lys684fs (NM_001203249.2); c.2084dup, p.Lys696fs (NM_152998.3); short protein forms K684fs, K696fs, K726fs, K735fs, K740fs.
Identifiers: ClinVar variation 4855648 (VCV004855648.1).